The following is an entry in ClinVar:

ClinVar aggregate classification (germline): Uncertain significance. Review status: criteria provided, multiple submitters, no conflicts (2 of 4 stars). 3 submissions from 3 submitters: Uncertain significance (3). Last evaluated 2025-01-27.

Conditions:
Tay-Sachs disease, variant AB. Also called: GM2 Activator Deficiency; Gm2-gangliosidosis, ab variant. Identifiers: Orphanet 309246, MedGen C0268275, MONDO:0010099, OMIM 272750.
Inborn genetic diseases. Identifiers: MedGen C0950123, MeSH D030342.

Allele frequency attached by ClinVar (database versions not stated): ExAC 0.00016; gnomAD exomes 0.00018 and 0.00030; gnomAD 0.00019 and 0.00021; TOPMed 0.00022; ESP Exome Variant Server 0.00023.
gnomAD v4.1: 469 of 1,613,528 alleles (0.029%); highest among the groups gnomAD compares: Non-Finnish European, 0.033%; 1 homozygote.

Submissions (4):

Labcorp Genetics (formerly Invitae), Labcorp
Classification: Uncertain significance for Tay-Sachs disease, variant AB. Last evaluated: 2025-01-27. Review status: criteria provided, single submitter. Criteria: Invitae Variant Classification Sherloc (09022015). Collection method: clinical testing. Allele origin: germline.
Comment: This sequence change replaces valine, which is neutral and non-polar, with glycine, which is neutral and non-polar, at codon 85 of the GM2A protein (p.Val85Gly). This variant is present in population databases (rs143999954, gnomAD 0.1%). This variant has not been reported in the literature in individuals affected with GM2A-related conditions. ClinVar contains an entry for this variant (Variation ID: 352254). An algorithm developed to predict the effect of missense changes on protein structure and function (PolyPhen-2) suggests that this variant¬†is likely to be tolerated. In summary, the available evidence is currently insufficient to determine the role of this variant in disease. Therefore, it has been classified as a Variant of Uncertain Significance.

Ambry Genetics
Classification: Uncertain significance for Inborn genetic diseases. Last evaluated: 2022-01-12. Review status: criteria provided, single submitter. Criteria: Ambry Variant Classification Scheme 2023. Collection method: clinical testing. Allele origin: germline.

Illumina Laboratory Services, Illumina
Classification: Uncertain significance for Tay-Sachs disease, variant AB. Last evaluated: 2018-01-13. Review status: criteria provided, single submitter. Criteria: ICSL Variant Classification Criteria 13 December 2019. Collection method: clinical testing. Allele origin: germline.

Dr. Peter K. Rogan Lab, Western University
No classification provided (evidence only). Condition: Sarcoma. Review status: no classification provided. Collection method: in vitro. Allele origin: not applicable. Functional consequence: retained intron. Not counted in ClinVar's aggregate classification.

NM_000405.5(GM2A):c.254T>G (p.Val85Gly)

Gene: GM2A (ganglioside GM2 activator; plus strand). Cytogenetic location: 5q33.1.
Variant type: single nucleotide variant.
Coding change: c.254T>G on transcript NM_000405.5 (MANE Select); coding-DNA position 254, T replaced by G.
Protein change: p.Val85Gly; replaces valine 85 with glycine.
Molecular consequence: missense variant.
Genome position (GRCh38, 1-based): chr5:151,266,741, T>G. VCF-style: chr5-151266741-T-G. GRCh37 (hg19) VCF-style: chr5-150646302-T-G.
Other names: c.254T>G, p.Val85Gly (NM_001167607.3); short protein forms V85G.
Identifiers: ClinVar variation 352254 (VCV000352254.9), dbSNP rs143999954, ClinGen allele CA3517917.